The following is an entry in ClinVar:

ClinVar aggregate classification (germline): Uncertain significance (1 of 4 stars; one submission).

Conditions:
Cardiovascular phenotype. Identifiers: MedGen CN230736.

Submission:

Ambry Genetics
Classification: Uncertain significance for Cardiovascular phenotype. Last evaluated: 2022-09-15. Review status: criteria provided, single submitter. Criteria: Ambry Variant Classification Scheme 2023. Collection method: clinical testing. Allele origin: germline.
Comment: The c.9785-1270_9861del1347insTC alteration is located in between Intron 11 (E) and Exon 12 of the ALMS1 gene. This alteration consists of a deletion of 1347 and insertion of 2 nucleotides between nucleotide positions c.9785-1270 and c.9861-1270. Based on insufficient or conflicting evidence, the clinical significance of this alteration remains unclear.

NM_001378454.1(ALMS1):c.9782-1270_9858delinsTC

Gene: ALMS1 (ALMS1 centrosome and basal body associated protein; plus strand). Cytogenetic location: 2p13.1.
Variant type: Indel.
Coding change: c.9782-1270_9858delinsTC on transcript NM_001378454.1 (MANE Select); 1270 bases into the intron before coding-DNA position 9782 through coding-DNA position 9858, the reference bases replaced by TC.
Molecular consequence: splice acceptor variant.
Genome position (GRCh38, 1-based): chr2:73,533,554-73,534,900, 1,347 bases replaced. GRCh37 (hg19): chr2:73,760,681-73,762,027.
Other names: c.9782-1270_9858delinsTC (NM_015120.4); c.9785-1270_9861del1347insTC (NM_015120.4).
Identifiers: ClinVar variation 2307047 (VCV002307047.2), ClinGen allele CA2580068149.